The following is an entry in ClinVar:

NM_007294.4(BRCA1):c.170G>T (p.Gly57Val)

Gene: BRCA1 (BRCA1 DNA repair associated; minus strand). Cytogenetic location: 17q21.31.
Variant type: single nucleotide variant.
Coding change: c.170G>T on transcript NM_007294.4 (MANE Select); coding-DNA position 170, G replaced by T.
Protein change: p.Gly57Val; replaces glycine 57 with valine.
Molecular consequence: missense variant. On other transcripts: non-coding transcript variant (1).
Genome position (GRCh38, 1-based): chr17:43,106,498, C>A on the plus strand (G>T on the coding strand, the complement: BRCA1 is on the minus strand). VCF-style: chr17-43106498-C-A. GRCh37 (hg19) VCF-style: chr17-41258515-C-A.
Other names: c.29G>T, p.Gly10Val (NM_001407727.1, NM_001407728.1, NM_001407729.1 and 99 more transcripts); c.-19G>T (NM_001407853.1, NM_001407879.1, NM_001407881.1 and 58 more transcripts); c.170G>T, p.Gly57Val (NM_001407854.1, NM_001407858.1, NM_001407859.1 and 168 more transcripts); short protein forms G10V, G57V.
Identifiers: ClinVar variation 867912 (VCV000867912.3), dbSNP rs1597900455, ClinGen allele CA10601814.

Conditions:
Breast-ovarian cancer, familial, susceptibility to, 1 (BROVCA1). Also called: BRCA1 Hereditary Breast and Ovarian Cancer; OVARIAN CANCER, SUSCEPTIBILITY TO. Identifiers: Orphanet 145, MedGen C2676676, MONDO:0011450, OMIM 604370. Disease mechanism: loss of function.

Submission:

Brotman Baty Institute, University of Washington
No classification provided (evidence only). Condition: Breast-ovarian cancer, familial 1. Review status: no classification provided. Collection method: in vitro. Allele origin: not applicable. Functional consequence: functionally_normal.
ClinVar note: "not provided" was previously submitted as the classification for the variant. However, the classification appeared to be based only on an observation of functional data so it was converted to no classification on 2025-07-30.